The following is an entry in ClinVar:

ClinVar aggregate classification (germline): Uncertain significance (1 of 4 stars; one submission).

Allele frequency attached by ClinVar (database versions not stated): gnomAD 0.00002 and 0.00003; gnomAD exomes 0.00002; TOPMed 0.00003.
gnomAD v4.1: 10 of 1,515,608 alleles (0.00066%); highest among the groups gnomAD compares: African/African-American, 0.0057%; no homozygotes.

Submission:

Labcorp Genetics (formerly Invitae), Labcorp
Classification: Uncertain significance. Last evaluated: 2024-01-15. Review status: criteria provided, single submitter. Criteria: Invitae Variant Classification Sherloc (09022015). Collection method: clinical testing. Allele origin: germline.
Comment: This sequence change replaces threonine, which is neutral and polar, with methionine, which is neutral and non-polar, at codon 206 of the HMX1 protein (p.Thr206Met). The frequency data for this variant in the population databases is considered unreliable, as metrics indicate poor data quality at this position in the gnomAD database. This variant has not been reported in the literature in individuals affected with HMX1-related conditions. ClinVar contains an entry for this variant (Variation ID: 969885). Advanced modeling of protein sequence and biophysical properties (such as structural, functional, and spatial information, amino acid conservation, physicochemical variation, residue mobility, and thermodynamic stability) performed at Invitae indicates that this missense variant is expected to disrupt HMX1 protein function with a positive predictive value of 80%. In summary, the available evidence is currently insufficient to determine the role of this variant in disease. Therefore, it has been classified as a Variant of Uncertain Significance.

NM_018942.3(HMX1):c.617C>T (p.Thr206Met)

Gene: HMX1 (H6 family homeobox 1; minus strand). Cytogenetic location: 4p16.1.
Variant type: single nucleotide variant.
Coding change: c.617C>T on transcript NM_018942.3 (MANE Select); coding-DNA position 617, C replaced by T.
Protein change: p.Thr206Met; replaces threonine 206 with methionine.
Molecular consequence: missense variant. On other transcripts: intron variant (1).
Genome position (GRCh38, 1-based): chr4:8,868,123, G>A on the plus strand (C>T on the coding strand, the complement: HMX1 is on the minus strand). VCF-style: chr4-8868123-G-A. GRCh37 (hg19) VCF-style: chr4-8869849-G-A.
Other names: c.394+3098C>T (NM_001306142.2); short protein forms T206M.
Identifiers: ClinVar variation 969885 (VCV000969885.8), dbSNP rs892961907, ClinGen allele CA92349795.